The following is an entry in ClinVar:

NM_001352514.2(HLCS):c.2551G>A (p.Val851Ile)

Gene: HLCS (holocarboxylase synthetase; minus strand). Cytogenetic location: 21q22.13.
Variant type: single nucleotide variant.
Coding change: c.2551G>A on transcript NM_001352514.2 (MANE Select); coding-DNA position 2551, G replaced by A.
Protein change: p.Val851Ile; replaces valine 851 with isoleucine.
Molecular consequence: missense variant. On other transcripts: non-coding transcript variant (2).
Genome position (GRCh38, 1-based): chr21:36,754,317, C>T on the plus strand (G>A on the coding strand, the complement: HLCS is on the minus strand). VCF-style: chr21-36754317-C-T. GRCh37 (hg19) VCF-style: chr21-38126618-C-T.
Other names: c.2110G>A, p.Val704Ile (NM_000411.8, NM_001242784.3, NM_001242785.2 and 4 more transcripts); short protein forms V704I, V851I.
Identifiers: ClinVar variation 2413652 (VCV002413652.32), dbSNP rs2516829193, ClinGen allele CA409918063.

ClinVar aggregate classification (germline): Uncertain significance. Review status: criteria provided, multiple submitters, no conflicts (2 of 4 stars). 2 submissions from 2 submitters: Uncertain significance (2). Last evaluated 2022-12-22.

Conditions:
Holocarboxylase synthetase deficiency. Also called: MULTIPLE CARBOXYLASE DEFICIENCY, EARLY ONSET. Identifiers: Orphanet 79242, MedGen C0268581, MONDO:0009666, OMIM 253270.

Submissions (2):

Laboratorio de Genetica e Diagnostico Molecular, Hospital Israelita Albert Einstein
Classification: Uncertain significance for Holocarboxylase synthetase deficiency. Last evaluated: 2022-12-22. Review status: criteria provided, single submitter. Criteria: ACMG Guidelines, 2015. Collection method: clinical testing. Allele origin: germline. Affected: yes.
Comment: ACMG classification criteria: PM2 moderated, BP4 supporting

Labcorp Genetics (formerly Invitae), Labcorp
Classification: Uncertain significance for Holocarboxylase synthetase deficiency. Last evaluated: 2022-10-17. Review status: criteria provided, single submitter. Criteria: Invitae Variant Classification Sherloc (09022015). Collection method: clinical testing. Allele origin: germline.
Comment: This sequence change replaces valine, which is neutral and non-polar, with isoleucine, which is neutral and non-polar, at codon 704 of the HLCS protein (p.Val704Ile). This variant is not present in population databases (gnomAD no frequency). This variant has not been reported in the literature in individuals affected with HLCS-related conditions. Advanced modeling of protein sequence and biophysical properties (such as structural, functional, and spatial information, amino acid conservation, physicochemical variation, residue mobility, and thermodynamic stability) performed at Invitae indicates that this missense variant is not expected to disrupt HLCS protein function. In summary, the available evidence is currently insufficient to determine the role of this variant in disease. Therefore, it has been classified as a Variant of Uncertain Significance.